The following is an entry in ClinVar:

NM_000256.3(MYBPC3):c.841C>A (p.Arg281=)

Gene: MYBPC3 (myosin binding protein C3; minus strand). Cytogenetic location: 11p11.2.
Variant type: single nucleotide variant.
Coding change: c.841C>A on transcript NM_000256.3 (MANE Select); coding-DNA position 841, C replaced by A.
Protein change: p.Arg281=; no amino-acid change (arginine 281 retained).
Molecular consequence: synonymous variant.
Genome position (GRCh38, 1-based): chr11:47,347,661, G>T on the plus strand (C>A on the coding strand, the complement: MYBPC3 is on the minus strand). VCF-style: chr11-47347661-G-T. GRCh37 (hg19) VCF-style: chr11-47369212-G-T.
Identifiers: ClinVar variation 454335 (VCV000454335.19), dbSNP rs371711564, ClinGen allele CA221702290.

ClinVar aggregate classification (germline): Conflicting classifications of pathogenicity. Review status: criteria provided, conflicting classifications (1 of 4 stars). 6 submissions from 6 submitters: Uncertain significance (5); Likely benign (1). Last evaluated 2025-12-11.

Conditions:
Cardiovascular phenotype. Identifiers: MedGen CN230736.
Cardiomyopathy (CMYO). Also called: Cardiomyopathies. Identifiers: Orphanet 167848, MedGen C0878544, MONDO:0004994, HP:0001638. Inheritance: Various modes of inheritance.
Hypertrophic cardiomyopathy. Also called: HYPERTROPHIC MYOCARDIOPATHY. Identifiers: Orphanet 217569, MedGen C0007194, MeSH D002312, MONDO:0005045, HP:0001639.

gnomAD v4.1: 7 of 1,574,476 alleles (0.00044%); highest among the groups gnomAD compares: Non-Finnish European, 0.0006%; no homozygotes.

Submissions (6):

Color Diagnostics, LLC DBA Color Health
Classification: Uncertain significance for Cardiomyopathy. Last evaluated: 2025-12-11. Review status: criteria provided, single submitter. Criteria: ACMG Guidelines, 2015. Collection method: clinical testing. Allele origin: germline.
Comment: This synonymous variant does not change the amino acid sequence of the MYBPC3 protein. Splice prediction tools indicate that this variant may weaken the intron 8 splice donor site (PMID: 30661751, 35449021). To our knowledge, RNA and functional studies have not been reported for this variant. This variant has been reported in an individual affected with unspecified cardiomyopathy (PMID: 30847666). This variant has not been identified in the general population by the Genome Aggregation Database (gnomAD). The available evidence is insufficient to determine the role of this variant in disease conclusively. Therefore, this variant is classified as a Variant of Uncertain Significance.

Labcorp Genetics (formerly Invitae), Labcorp
Classification: Likely benign for Hypertrophic cardiomyopathy. Last evaluated: 2025-03-30. Review status: criteria provided, single submitter. Criteria: Invitae Variant Classification Sherloc (09022015). Collection method: clinical testing. Allele origin: germline.

Ambry Genetics
Classification: Uncertain significance for Cardiovascular phenotype. Last evaluated: 2024-07-18. Review status: criteria provided, single submitter. Criteria: Ambry Variant Classification Scheme 2023. Collection method: clinical testing. Allele origin: germline.
Comment: The c.841C>A variant (also known as p.R281R), located in coding exon 8 of the MYBPC3 gene, results from a C to A substitution at nucleotide position 841. This nucleotide substitution does not change the at codon 281. This nucleotide position is well conserved in available vertebrate species. In silico splice site analysis predicts that this alteration may weaken the native splice donor site. Based on the available evidence, the clinical significance of this variant remains unclear.

All of Us Research Program, National Institutes of Health
Classification: Uncertain significance for Hypertrophic cardiomyopathy. Last evaluated: 2023-07-10. Review status: criteria provided, single submitter. Criteria: ACMG Guidelines, 2015. Collection method: clinical testing. Allele origin: germline. Inheritance: Autosomal dominant inheritance. Observed: 1 variant allele, 1 heterozygote.
Comment: This synonymous variant does not change the amino acid sequence of the MYBPC3 protein. Splice prediction tools are inconclusive regarding the impact of this variant on RNA splicing. To our knowledge, functional studies have not been reported for this variant. This variant has been reported in an individual affected with unspecified cardiomyopathy (PMID: 30847666). This variant has not been identified in the general population by the Genome Aggregation Database (gnomAD). The available evidence is insufficient to determine the role of this variant in disease conclusively. Therefore, this variant is classified as a Variant of Uncertain Significance.

This study involves interpretation of variants in research participants for the purpose of population health screening. Participant phenotype was not available at the time of variant classification. Additional details can be found in publication PMID: 35346344, PMCID: PMC8962531

Laboratory for Molecular Medicine, Mass General Brigham Personalized Medicine
Classification: Uncertain significance. Last evaluated: 2017-12-08. Review status: criteria provided, single submitter. Criteria: LMM Criteria. Collection method: clinical testing. Allele origin: germline. Observed: 1 variant allele.
Comment: The p.Arg281Arg variant in MYBPC3 has not been previously reported in individual s with cardiomyopathy and was absent from large population studies. This variant does not change an amino acid but computational tools predict a possible impact on splicing although their accuracy is unknown. Splice variants in MYBPC3 are a common cause of hypertrophic cardiomyopathy. In summary, the clinical significa nce of the p.Arg281Arg variant is uncertain. ACMG/AMP Criteria applied: PM2.

Blueprint Genetics
Classification: Uncertain significance. Last evaluated: 2017-06-14. Review status: criteria provided, single submitter. Criteria: ACMG Guidelines, 2015. Collection method: clinical testing. Allele origin: germline.

Literature cited by the submitters: PubMed 30661751 (cited by Color Diagnostics, LLC DBA Color Health); PubMed 30847666 (cited by Color Diagnostics, LLC DBA Color Health and All of Us Research Program, National Institutes of Health); PubMed 35449021 (cited by Color Diagnostics, LLC DBA Color Health).